The following is an entry in ClinVar:

ClinVar aggregate classification (germline): Uncertain significance (1 of 4 stars; one submission).

Conditions:
Maturity-onset diabetes of the young (MODY). Also called: Maturity onset diabetes mellitus in young. Identifiers: Orphanet 552, MedGen C0342276, MONDO:0018911, HP:0004904.

Submission:

Clinical Genomics, Uppaluri K&H Personalized Medicine Clinic
Classification: Uncertain significance for Maturity-onset diabetes of the young. Review status: criteria provided, single submitter. Criteria: K & H Uppaluri Personalized Medicine Clinic Variant Classification & Assertion Criteria_Updated V.1. Collection method: research. Allele origin: unknown. Inheritance: Autosomal dominant inheritance.
Comment: Potent mutations in HNF4A are associated with poor insulin secretion in response to hyperglycemia. Associated with MODY1. Patients initially respond well to sulfonylureas but eventually become insulin dependent. However, more evidence is required to ascertain the role of this particular variant rs886056691 in MODY, yet.

Literature cited by the submitters: DOI 10.1159/000334532; PubMed 18268044; PubMed 17563455; PubMed 32583173; PubMed 35052457; PubMed 35118593.

NM_175914.5(HNF4A):c.*2674_*2675del

Gene: HNF4A (hepatocyte nuclear factor 4 alpha; plus strand). Cytogenetic location: 20q13.12.
Variant type: Deletion.
Coding change: c.*2674_*2675del on transcript NM_175914.5 (MANE Select); 2674 bases downstream of the stop codon through 2675 bases downstream of the stop codon, 2 bases deleted (GC; older notation c.*2674_*2675delGC).
Molecular consequence: 3 prime UTR variant.
Genome position (GRCh38, 1-based): chr20:44,432,339-44,432,340, GC deleted; deleting any 2 consecutive bases within chr20:44,432,338-44,432,340 gives the same sequence; the c. name uses the placement nearest the transcript's 3' end. VCF-style (leftmost placement, unchanged base first): chr20-44432337-TCG-T. GRCh37 (hg19) VCF-style: chr20-43060977-TCG-T.
Other names: c.*2674_*2675del (NM_000457.6, NM_001030003.3, NM_001258355.2 and 3 more transcripts).
Identifiers: ClinVar variation 338475 (VCV000338475.6), dbSNP rs886056691, ClinGen allele CA10643911.